The following is an entry in ClinVar:

ClinVar aggregate classification (germline): Uncertain significance. Review status: criteria provided, multiple submitters, no conflicts (2 of 4 stars). 5 submissions from 5 submitters: Uncertain significance (4). 1 of the submissions does not count toward it. Last evaluated 2025-03-04.

Conditions:
Inborn genetic diseases. Identifiers: MedGen C0950123, MeSH D030342.
Medium-chain acyl-coenzyme A dehydrogenase deficiency (ACADMD). Also called: MCADH DEFICIENCY; ACADM DEFICIENCY; MCADD; CARNITINE DEFICIENCY SECONDARY TO MEDIUM-CHAIN ACYL-CoA DEHYDROGENASE DEFICIENCY; Medium chain acyl-CoA dehydrogenase deficiency; MCAD Deficiency. Identifiers: Orphanet 42, MedGen C0220710, MONDO:0008721, OMIM 201450.

Allele frequency attached by ClinVar (database versions not stated): gnomAD exomes below 0.00001 and 0.00001; ExAC 0.00001; gnomAD 0.00002 and 0.00003; TOPMed 0.00006; ESP Exome Variant Server 0.00008.

Submissions (5):

GeneDx
Classification: Uncertain significance. Last evaluated: 2025-03-04. Review status: criteria provided, single submitter. Criteria: GeneDx Variant Classification Process June 2021. Collection method: clinical testing. Allele origin: germline. Affected: yes.
Comment: Not observed at significant frequency in large population cohorts (gnomAD); In silico analysis indicates that this missense variant does not alter protein structure/function; Has not been previously published as pathogenic or benign to our knowledge; Also known as p.M106I

Quest Diagnostics Nichols Institute San Juan Capistrano
Classification: Uncertain significance. Last evaluated: 2024-10-14. Review status: criteria provided, single submitter. Criteria: Quest Diagnostics criteria. Collection method: clinical testing. Allele origin: unknown.
Comment: The ACADM c.393G>A (p.Met131Ile) variant has not been reported in individuals with ACADM-related conditions in the published literature. The frequency of this variant in the general population, 0.000008 (2/250906 chromosomes (Genome Aggregation Database)), is uninformative in the assessment of its pathogenicity. Analysis of this variant using bioinformatics tools for the prediction of the effect of amino acid changes on protein structure and function yielded conflicting predictions that this variant is deleterious or benign. Based on the available information, we are unable to determine the clinical significance of this variant.

Ambry Genetics
Classification: Uncertain significance for Inborn genetic diseases. Last evaluated: 2024-01-03. Review status: criteria provided, single submitter. Criteria: Ambry Variant Classification Scheme 2023. Collection method: clinical testing. Allele origin: germline.

Labcorp Genetics (formerly Invitae), Labcorp
Classification: Uncertain significance for Medium-chain acyl-coenzyme A dehydrogenase deficiency. Last evaluated: 2022-01-06. Review status: criteria provided, single submitter. Criteria: Invitae Variant Classification Sherloc (09022015). Collection method: clinical testing. Allele origin: germline.
Comment: This sequence change replaces methionine, which is neutral and non-polar, with isoleucine, which is neutral and non-polar, at codon 131 of the ACADM protein (p.Met131Ile). This variant is present in population databases (rs368773005, gnomAD 0.0009%). This variant has not been reported in the literature in individuals affected with ACADM-related conditions. ClinVar contains an entry for this variant (Variation ID: 660222). Algorithms developed to predict the effect of missense changes on protein structure and function output the following: SIFT: "Tolerated"; PolyPhen-2: "Benign"; Align-GVGD: "Class C0". The isoleucine amino acid residue is found in multiple mammalian species, which suggests that this missense change does not adversely affect protein function. In summary, the available evidence is currently insufficient to determine the role of this variant in disease. Therefore, it has been classified as a Variant of Uncertain Significance.

Natera, Inc.
Classification: Uncertain significance for Medium Chain Acyl-CoA Dehydrogenase Deficiency. Last evaluated: 2018-06-29. Review status: no assertion criteria provided. Collection method: clinical testing. Allele origin: germline. Not counted in ClinVar's aggregate classification.

NM_000016.6(ACADM):c.393G>A (p.Met131Ile)

Gene: ACADM (acyl-CoA dehydrogenase medium chain; plus strand). Cytogenetic location: 1p31.1.
Variant type: single nucleotide variant.
Coding change: c.393G>A on transcript NM_000016.6 (MANE Select); coding-DNA position 393, G replaced by A.
Protein change: p.Met131Ile; replaces methionine 131 with isoleucine.
Molecular consequence: missense variant. On other transcripts: intron variant (1).
Genome position (GRCh38, 1-based): chr1:75,734,796, G>A. VCF-style: chr1-75734796-G-A. GRCh37 (hg19) VCF-style: chr1-76200481-G-A.
Other names: c.405G>A, p.Met135Ile (NM_001127328.3); c.285G>A, p.Met95Ile (NM_001286042.2); c.492G>A, p.Met164Ile (NM_001286043.2); c.-100+1874G>A (NM_001286044.2); c.393G>A (NM_000016.4); short protein forms M131I, M135I, M164I, M95I.
Identifiers: ClinVar variation 660222 (VCV000660222.10), dbSNP rs368773005, ClinGen allele CA913094.
Genomic context (GRCh38, chr1:75,734,796, plus strand): 5'-ATTTACATATCCAATAAAAATGACTTGATTTTTTAATGTCAATTTTCTTCGGTAGCAAAT[G>A]CCTATTATTATTGCTGGAAATGATCAACAAAAGAAGAAGTATTTGGGGAGAATGACTGAG-3'
Protein context (NP_000007.1, residues 121-141): TAIEGNSLGQ[Met131Ile]PIIIAGNDQQ